The following is an entry in ClinVar:

ClinVar aggregate classification (germline): Uncertain significance (1 of 4 stars; one submission).

Conditions:
Dilated cardiomyopathy 1G (CMD1G). Identifiers: Orphanet 154, MedGen C1858763, MONDO:0011400, OMIM 604145.
Autosomal recessive limb-girdle muscular dystrophy type 2J (LGMDR10). Also called: Limb-girdle muscular dystrophy, type 2J; MUSCULAR DYSTROPHY, LIMB-GIRDLE, AUTOSOMAL RECESSIVE 10. Identifiers: Orphanet 140922, MedGen C1837342, MONDO:0012127, OMIM 608807.

Allele frequency attached by ClinVar (database versions not stated): gnomAD exomes below 0.00001 and 0.00001; ExAC 0.00002.
gnomAD v4.1: 1 of 1,614,040 alleles (0.000062%); highest among the groups gnomAD compares: Admixed American, 0.0017%; no homozygotes.

Submission:

Labcorp Genetics (formerly Invitae), Labcorp
Classification: Uncertain significance for Dilated cardiomyopathy 1G; Autosomal recessive limb-girdle muscular dystrophy type 2J. Last evaluated: 2025-12-29. Review status: criteria provided, single submitter. Criteria: Invitae Variant Classification Sherloc (09022015). Collection method: clinical testing. Allele origin: germline.
Comment: This sequence change replaces asparagine, which is neutral and polar, with serine, which is neutral and polar, at codon 35876 of the TTN protein (p.Asn35876Ser). This variant is present in population databases (rs750430860, gnomAD 0.006%). This variant has not been reported in the literature in individuals affected with TTN-related conditions. ClinVar contains an entry for this variant (Variation ID: 1480153). An algorithm developed to predict the effect of missense changes on protein structure and function outputs the following: PolyPhen-2: "Not Available". The serine amino acid residue is found in multiple mammalian species, which suggests that this missense change does not adversely affect protein function. This variant is located in the M band of TTN (PMID: 25589632). Non-truncating variants in this region may be relevant for neuromuscular disorders, but have not been definitively shown to cause cardiomyopathy (PMID: 23975875). In summary, the available evidence is currently insufficient to determine the role of this variant in disease. Therefore, it has been classified as a Variant of Uncertain Significance.

Literature cited by the submitters: PubMed 25589632; PubMed 23975875.

NM_001267550.2(TTN):c.107627A>G (p.Asn35876Ser)

Genes: TTN-AS1 (TTN antisense RNA 1; plus strand), TTN (titin; minus strand). Cytogenetic location: 2q31.2.
Variant type: single nucleotide variant.
Coding change: c.107627A>G on transcript NM_001267550.2 (MANE Select); coding-DNA position 107627, A replaced by G.
Protein change: p.Asn35876Ser; replaces asparagine 35876 with serine.
Molecular consequence: missense variant.
Genome position (GRCh38, 1-based): chr2:178,527,499, T>C on the plus strand (A>G on the coding strand, the complement: TTN is on the minus strand). VCF-style: chr2-178527499-T-C. GRCh37 (hg19) VCF-style: chr2-179392226-T-C.
Other names: c.102704A>G, p.Asn34235Ser (NM_001256850.1); c.80432A>G, p.Asn26811Ser (NM_003319.4); c.99923A>G, p.Asn33308Ser (NM_133378.4); c.80807A>G, p.Asn26936Ser (NM_133432.3); c.81008A>G, p.Asn27003Ser (NM_133437.4); short protein forms N26811S, N35876S, N27003S, N33308S, N26936S, N34235S.
Identifiers: ClinVar variation 1480153 (VCV001480153.8), dbSNP rs750430860, ClinGen allele CA1984919.